The following is an entry in ClinVar:

NM_017534.6(MYH2):c.1958T>C (p.Val653Ala)

Genes: MYHAS (myosin heavy chain gene cluster antisense RNA; plus strand), MYH2 (myosin heavy chain 2; minus strand). Cytogenetic location: 17p13.1.
Variant type: single nucleotide variant.
Coding change: c.1958T>C on transcript NM_017534.6 (MANE Select); coding-DNA position 1958, T replaced by C.
Protein change: p.Val653Ala; replaces valine 653 with alanine.
Molecular consequence: missense variant.
Genome position (GRCh38, 1-based): chr17:10,536,546, A>G on the plus strand (T>C on the coding strand, the complement: MYH2 is on the minus strand). VCF-style: chr17-10536546-A-G. GRCh37 (hg19) VCF-style: chr17-10439863-A-G.
Other names: c.1958T>C, p.Val653Ala (NM_001100112.2); short protein forms V653A.
Identifiers: ClinVar variation 465926 (VCV000465926.5), dbSNP rs1452856320, ClinGen allele CA398152347.
Genomic context (GRCh38, chr17:10,536,546, plus strand): 5'-ATCCCAAAGTAATTGGAGAATGTCAAAAACAATTTCTTCCTTACTCTGAAAAGGGCAGAC[A>G]CTGTCTGGAAAGAAGAGCCCTTCTTCTTACCACCTTTCTTGGCCCCTCCACCAGCTCCCT-3'
Protein context (NP_060004.3, residues 643-663): GKKKGSSFQT[Val653Ala]SALFRENLNK

ClinVar aggregate classification (germline): Uncertain significance (1 of 4 stars; one submission).

Conditions:
Myopathy, proximal, and ophthalmoplegia (CMYO6). Also called: INCLUSION BODY MYOPATHY 3, AUTOSOMAL DOMINANT; CONGENITAL MYOPATHY 6 WITH OPHTHALMOPLEGIA; MYOPATHY WITH CONGENITAL JOINT CONTRACTURES, OPHTHALMOPLEGIA, AND RIMMED VACUOLES. Identifiers: Orphanet 363677, Orphanet 79091, MedGen C1854106, MONDO:0011577, OMIM 605637.

Allele frequency attached by ClinVar (database versions not stated): TOPMed 0.00001; gnomAD exomes 0.00002.
gnomAD v4.1: 6 of 1,613,888 alleles (0.00037%); highest among the groups gnomAD compares: Admixed American, 0.01%; no homozygotes.

Submission:

Labcorp Genetics (formerly Invitae), Labcorp
Classification: Uncertain significance for Myopathy, proximal, and ophthalmoplegia. Last evaluated: 2025-04-13. Review status: criteria provided, single submitter. Criteria: Invitae Variant Classification Sherloc (09022015). Collection method: clinical testing. Allele origin: germline.
Comment: This sequence change replaces valine, which is neutral and non-polar, with alanine, which is neutral and non-polar, at codon 653 of the MYH2 protein (p.Val653Ala). This variant is present in population databases (no rsID available, gnomAD 0.009%). This variant has not been reported in the literature in individuals affected with MYH2-related conditions. ClinVar contains an entry for this variant (Variation ID: 465926). Invitae Evidence Modeling of protein sequence and biophysical properties (such as structural, functional, and spatial information, amino acid conservation, physicochemical variation, residue mobility, and thermodynamic stability) has been performed for this missense variant. However, the output from this modeling did not meet the statistical confidence thresholds required to predict the impact of this variant on MYH2 protein function. In summary, the available evidence is currently insufficient to determine the role of this variant in disease. Therefore, it has been classified as a Variant of Uncertain Significance.